The following is an entry in ClinVar:

NM_201384.3(PLEC):c.3850C>G (p.Leu1284Val)

Gene: PLEC (plectin; minus strand). Cytogenetic location: 8q24.3.
Variant type: single nucleotide variant.
Coding change: c.3850C>G on transcript NM_201384.3 (MANE Select); coding-DNA position 3850, C replaced by G.
Protein change: p.Leu1284Val; replaces leucine 1284 with valine.
Molecular consequence: missense variant.
Genome position (GRCh38, 1-based): chr8:143,927,072, G>C on the plus strand (C>G on the coding strand, the complement: PLEC is on the minus strand). VCF-style: chr8-143927072-G-C. GRCh37 (hg19) VCF-style: chr8-145001240-G-C.
Other names: c.3931C>G, p.Leu1311Val (NM_000445.5, NM_001410941.1); c.3808C>G, p.Leu1270Val (NM_201378.4); c.3784C>G, p.Leu1262Val (NM_201379.3); c.4261C>G, p.Leu1421Val (NM_201380.4); c.3754C>G, p.Leu1252Val (NM_201381.3); c.3850C>G, p.Leu1284Val (NM_201382.4); c.3862C>G, p.Leu1288Val (NM_201383.3); short protein forms L1262V, L1270V, L1421V, L1288V, L1252V, L1284V, L1311V.
Identifiers: ClinVar variation 4783312 (VCV004783312.1).

ClinVar aggregate classification (germline): Uncertain significance (1 of 4 stars; one submission).

Conditions:
Epidermolysis bullosa simplex with nail dystrophy (EBS5D). Identifiers: MedGen C4225309, MONDO:0014661, OMIM 616487.
Epidermolysis bullosa simplex, Ogna type (EBS5A). Also called: Pidermolysis bullosa simplex 5A, Ogna type; EPIDERMOLYSIS BULLOSA SIMPLEX 5A, OGNA TYPE. Identifiers: Orphanet 79401, MedGen C0432317, MONDO:0007555, OMIM 131950.
Epidermolysis bullosa simplex 5B, with muscular dystrophy (EBS5B). Also called: Epidermolysis bullosa simplex with muscular dystrophy; EPIDERMOLYSIS BULLOSA SIMPLEX AND LIMB-GIRDLE MUSCULAR DYSTROPHY. Identifiers: Orphanet 257, MedGen C2931072, MONDO:0009181, OMIM 226670.
Autosomal recessive limb-girdle muscular dystrophy type 2Q (LGMDR17). Also called: MUSCULAR DYSTROPHY, LIMB-GIRDLE, AUTOSOMAL RECESSIVE 17. Identifiers: Orphanet 254361, MedGen C3150989, MONDO:0013390, OMIM 613723.
Epidermolysis bullosa simplex 5C, with pyloric atresia (EBS5C). Also called: PLEC-Related Epidermolysis Bullosa with Pyloric Atresia; Epidermolysis bullosa simplex with pyloric atresia; PLEC1-Related Epidermolysis Bullosa with Pyloric Atresia. Identifiers: Orphanet 158684, MedGen C2677349, MONDO:0012807, OMIM 612138.

Submission:

Labcorp Genetics (formerly Invitae), Labcorp
Classification: Uncertain significance for Autosomal recessive limb-girdle muscular dystrophy type 2Q; Epidermolysis bullosa simplex, Ogna type; Epidermolysis bullosa simplex with nail dystrophy; Epidermolysis bullosa simplex 5C, with pyloric atresia; Epidermolysis bullosa simplex 5B, with muscular dystrophy. Last evaluated: 2025-06-11. Review status: criteria provided, single submitter. Criteria: Invitae Variant Classification Sherloc (09022015). Collection method: clinical testing. Allele origin: germline.
Comment: This sequence change replaces leucine, which is neutral and non-polar, with valine, which is neutral and non-polar, at codon 1311 of the PLEC protein (p.Leu1311Val). This variant is not present in population databases (gnomAD no frequency). This variant has not been reported in the literature in individuals affected with PLEC-related conditions. Invitae Evidence Modeling of protein sequence and biophysical properties (such as structural, functional, and spatial information, amino acid conservation, physicochemical variation, residue mobility, and thermodynamic stability) has been performed for this missense variant. However, the output from this modeling did not meet the statistical confidence thresholds required to predict the impact of this variant on PLEC protein function. In summary, the available evidence is currently insufficient to determine the role of this variant in disease. Therefore, it has been classified as a Variant of Uncertain Significance.